The following is an entry in ClinVar:

ClinVar aggregate classification (germline): Uncertain significance (1 of 4 stars; one submission).

Submission:

Labcorp Genetics (formerly Invitae), Labcorp
Classification: Uncertain significance. Last evaluated: 2025-12-15. Review status: criteria provided, single submitter. Criteria: Invitae Variant Classification Sherloc (09022015). Collection method: clinical testing. Allele origin: germline.
Comment: This sequence change replaces glutamine, which is neutral and polar, with leucine, which is neutral and non-polar, at codon 8 of the COL2A1 protein (p.Gln8Leu). This variant is not present in population databases (gnomAD no frequency). This variant has not been reported in the literature in individuals affected with COL2A1-related conditions. Invitae Evidence Modeling of protein sequence and biophysical properties (such as structural, functional, and spatial information, amino acid conservation, physicochemical variation, residue mobility, and thermodynamic stability) indicates that this missense variant is not expected to disrupt COL2A1 protein function with a negative predictive value of 95%. In summary, the available evidence is currently insufficient to determine the role of this variant in disease. Therefore, it has been classified as a Variant of Uncertain Significance.

NM_001844.5(COL2A1):c.23A>T (p.Gln8Leu)

Gene: COL2A1 (collagen type II alpha 1 chain; minus strand). Cytogenetic location: 12q13.11.
Variant type: single nucleotide variant.
Coding change: c.23A>T on transcript NM_001844.5 (MANE Select); coding-DNA position 23, A replaced by T.
Protein change: p.Gln8Leu; replaces glutamine 8 with leucine.
Molecular consequence: missense variant.
Genome position (GRCh38, 1-based): chr12:48,004,299, T>A on the plus strand (A>T on the coding strand, the complement: COL2A1 is on the minus strand). VCF-style: chr12-48004299-T-A. GRCh37 (hg19) VCF-style: chr12-48398082-T-A.
Other names: c.23A>T, p.Gln8Leu (NM_033150.3); short protein forms Q8L.
Identifiers: ClinVar variation 4781718 (VCV004781718.1).